The following is an entry in ClinVar:

ClinVar aggregate classification (germline): Benign (1 of 4 stars; one submission).

Submission:

GeneDx
Classification: Benign. Last evaluated: 2018-06-16. Review status: criteria provided, single submitter. Criteria: GeneDx Variant Classification (06012015). Collection method: clinical testing. Allele origin: germline. Affected: yes.
Comment: This variant is considered likely benign or benign based on one or more of the following criteria: it is a conservative change, it occurs at a poorly conserved position in the protein, it is predicted to be benign by multiple in silico algorithms, and/or has population frequency not consistent with disease.

NM_001080779.2(MYO1C):c.1904-45del

Gene: MYO1C (myosin IC; minus strand). Cytogenetic location: 17p13.3.
Variant type: Deletion.
Coding change: c.1904-45del on transcript NM_001080779.2 (MANE Select); 45 bases into the intron before coding-DNA position 1904, one base deleted (G; older notation c.1904-45delG).
Molecular consequence: intron variant.
Genome position (GRCh38, 1-based): chr17:1,472,069, C deleted on the plus strand (G on the coding strand, the reverse complement: MYO1C is on the minus strand); the first of 2 consecutive C bases (chr17:1,472,069-1,472,070); deleting either gives the same sequence. VCF-style (leftmost placement, unchanged base first): chr17-1472068-GC-G. GRCh37 (hg19) VCF-style: chr17-1375362-GC-G.
Other names: c.1799-45del (NM_033375.5); c.1847-45del (NM_001080950.2); c.1832-45del (NM_001363855.1).
Identifiers: ClinVar variation 682651 (VCV000682651.1), dbSNP rs34837599, ClinGen allele CA8267278.